The following is an entry in ClinVar:

ClinVar aggregate classification (germline): Uncertain significance. Review status: criteria provided, multiple submitters, no conflicts (2 of 4 stars). 2 submissions from 2 submitters: Uncertain significance (2). Last evaluated 2025-06-08.

Conditions:
Hyperkalemic periodic paralysis. Also called: Familial hyperkalemic periodic paralysis; Gamstorp disease. Identifiers: Orphanet 682, MedGen C0238357, MONDO:0008224, OMIM 170500, HP:0007215.

Allele frequency attached by ClinVar (database versions not stated): gnomAD exomes 0.00002.
gnomAD v4.1: 18 of 1,613,404 alleles (0.0011%); highest among the groups gnomAD compares: Non-Finnish European, 0.0014%; no homozygotes.

Submissions (2):

Labcorp Genetics (formerly Invitae), Labcorp
Classification: Uncertain significance for Hyperkalemic periodic paralysis. Last evaluated: 2025-06-08. Review status: criteria provided, single submitter. Criteria: Invitae Variant Classification Sherloc (09022015). Collection method: clinical testing. Allele origin: germline.
Comment: This sequence change replaces leucine, which is neutral and non-polar, with proline, which is neutral and non-polar, at codon 1772 of the SCN4A protein (p.Leu1772Pro). This variant is not present in population databases (gnomAD no frequency). This variant has not been reported in the literature in individuals affected with SCN4A-related conditions. ClinVar contains an entry for this variant (Variation ID: 2435734). Invitae Evidence Modeling of protein sequence and biophysical properties (such as structural, functional, and spatial information, amino acid conservation, physicochemical variation, residue mobility, and thermodynamic stability) indicates that this missense variant is not expected to disrupt SCN4A protein function with a negative predictive value of 95%. In summary, the available evidence is currently insufficient to determine the role of this variant in disease. Therefore, it has been classified as a Variant of Uncertain Significance.

Revvity Omics, Revvity
Classification: Uncertain significance. Last evaluated: 2021-06-21. Review status: criteria provided, single submitter. Criteria: ACMG Guidelines, 2015. Collection method: clinical testing. Allele origin: germline.

NM_000334.4(SCN4A):c.5315T>C (p.Leu1772Pro)

Genes: GH-LCR (growth hormone locus control region; plus strand), SCN4A (sodium voltage-gated channel alpha subunit 4; minus strand). Cytogenetic location: 17q23.3.
Variant type: single nucleotide variant.
Coding change: c.5315T>C on transcript NM_000334.4 (MANE Select); coding-DNA position 5315, T replaced by C.
Protein change: p.Leu1772Pro; replaces leucine 1772 with proline.
Molecular consequence: missense variant.
Genome position (GRCh38, 1-based): chr17:63,940,967, A>G on the plus strand (T>C on the coding strand, the complement: SCN4A is on the minus strand). VCF-style: chr17-63940967-A-G. GRCh37 (hg19) VCF-style: chr17-62018327-A-G.
Other names: short protein forms L1772P.
Identifiers: ClinVar variation 2435734 (VCV002435734.4), dbSNP rs780575534, ClinGen allele CA292956255.